The following is an entry in ClinVar:

NM_004813.4(PEX16):c.578A>G (p.Gln193Arg)

Gene: PEX16 (peroxisomal biogenesis factor 16; minus strand). Cytogenetic location: 11p11.2.
Variant type: single nucleotide variant.
Coding change: c.578A>G on transcript NM_004813.4 (MANE Select); coding-DNA position 578, A replaced by G.
Protein change: p.Gln193Arg; replaces glutamine 193 with arginine.
Molecular consequence: missense variant.
Genome position (GRCh38, 1-based): chr11:45,914,432, T>C on the plus strand (A>G on the coding strand, the complement: PEX16 is on the minus strand). VCF-style: chr11-45914432-T-C. GRCh37 (hg19) VCF-style: chr11-45935983-T-C.
Other names: c.578A>G (NM_004813.2, NM_004813.3); c.578A>G, p.Gln193Arg (NM_057174.3); short protein forms Q193R.
Identifiers: ClinVar variation 596942 (VCV000596942.10), dbSNP rs761839307, ClinGen allele CA5959916.

ClinVar aggregate classification (germline): Uncertain significance. Review status: criteria provided, multiple submitters, no conflicts (2 of 4 stars). 4 submissions from 4 submitters: Uncertain significance (4). Last evaluated 2025-01-02.

Conditions:
Inborn genetic diseases. Identifiers: MedGen C0950123, MeSH D030342.
Peroxisome biogenesis disorder. Identifiers: Orphanet 79189, MedGen C1832200, MONDO:0019234. Disease mechanism: loss of function.

Allele frequency attached by ClinVar (database versions not stated): ExAC 0.00001; gnomAD exomes 0.00001; gnomAD 0.00003; TOPMed 0.00004.

Submissions (4):

Revvity Omics, Revvity
Classification: Uncertain significance. Last evaluated: 2025-01-02. Review status: criteria provided, single submitter. Criteria: ACMG Guidelines, 2015. Collection method: clinical testing. Allele origin: germline.

Ambry Genetics
Classification: Uncertain significance for Inborn genetic diseases. Last evaluated: 2024-04-04. Review status: criteria provided, single submitter. Criteria: Ambry Variant Classification Scheme 2023. Collection method: clinical testing. Allele origin: germline.

Labcorp Genetics (formerly Invitae), Labcorp
Classification: Uncertain significance for Peroxisome biogenesis disorder. Last evaluated: 2022-09-27. Review status: criteria provided, single submitter. Criteria: Invitae Variant Classification Sherloc (09022015). Collection method: clinical testing. Allele origin: germline.
Comment: This sequence change replaces glutamine, which is neutral and polar, with arginine, which is basic and polar, at codon 193 of the PEX16 protein (p.Gln193Arg). This variant is present in population databases (rs761839307, gnomAD 0.009%). This variant has not been reported in the literature in individuals affected with PEX16-related conditions. ClinVar contains an entry for this variant (Variation ID: 596942). Advanced modeling of protein sequence and biophysical properties (such as structural, functional, and spatial information, amino acid conservation, physicochemical variation, residue mobility, and thermodynamic stability) performed at Invitae indicates that this missense variant is not expected to disrupt PEX16 protein function. In summary, the available evidence is currently insufficient to determine the role of this variant in disease. Therefore, it has been classified as a Variant of Uncertain Significance.

Eurofins Ntd Llc (ga)
Classification: Uncertain significance. Last evaluated: 2018-04-24. Review status: criteria provided, single submitter. Criteria: EGL ClinVar v180209 classification definitions. Collection method: clinical testing. Allele origin: germline. Observed: 1 variant allele, 1 heterozygote.